The following is an entry in ClinVar:

NM_001394998.1(TANC2):c.2377A>C (p.Thr793Pro)

Gene: TANC2 (tetratricopeptide repeat, ankyrin repeat and coiled-coil containing 2; plus strand). Cytogenetic location: 17q23.3.
Variant type: single nucleotide variant.
Coding change: c.2377A>C on transcript NM_001394998.1 (MANE Select); coding-DNA position 2377, A replaced by C.
Protein change: p.Thr793Pro; replaces threonine 793 with proline.
Molecular consequence: missense variant.
Genome position (GRCh38, 1-based): chr17:63,355,185, A>C. VCF-style: chr17-63355185-A-C. GRCh37 (hg19) VCF-style: chr17-61432546-A-C.
Other names: c.2155A>C, p.Thr719Pro (NM_025185.4); short protein forms T719P, T793P.
Identifiers: ClinVar variation 1316074 (VCV001316074.3), dbSNP rs2146905887, ClinGen allele CA400524591.

ClinVar aggregate classification (germline): Uncertain significance (1 of 4 stars; one submission).

Submission:

GeneDx
Classification: Uncertain significance. Last evaluated: 2021-05-25. Review status: criteria provided, single submitter. Criteria: GeneDx Variant Classification Process June 2021. Collection method: clinical testing. Allele origin: germline. Affected: yes.
Comment: Not observed in large population cohorts (Lek et al., 2016); In silico analysis, which includes protein predictors and evolutionary conservation, supports a deleterious effect; Has not been previously published as pathogenic or benign to our knowledge